The following is an entry in ClinVar:

NM_152618.3(BBS12):c.1531_1539del (p.Gln511_Gln513del)

Gene: BBS12 (Bardet-Biedl syndrome 12; plus strand). Cytogenetic location: 4q27.
Variant type: Deletion.
Coding change: c.1531_1539del on transcript NM_152618.3 (MANE Select); coding-DNA positions 1531 to 1539, 9 bases deleted (CAGATGCAA; older notation c.1531_1539delCAGATGCAA).
Protein change: p.Gln511_Gln513del.
Molecular consequence: inframe deletion.
Genome position (GRCh38, 1-based): chr4:122,743,423-122,743,431, CAGATGCAA deleted; deleting any 9 consecutive bases within chr4:122,743,422-122,743,431 gives the same sequence; the c. name uses the placement nearest the transcript's 3' end. VCF-style (leftmost placement, unchanged base first): chr4-122743421-CACAGATGCA-C. GRCh37 (hg19) VCF-style: chr4-123664576-CACAGATGCA-C.
Other names: c.1531_1539del9 (NM_152618.2); c.1531_1539del, p.Gln511_Gln513del (NM_001178007.2); c.1531_1539delCAGATGCAA (NM_152618.3).
Identifiers: ClinVar variation 434492 (VCV000434492.32), dbSNP rs752762669, ClinGen allele CA3069471.
Genomic context (GRCh38, chr4:122,743,421, plus strand): 5'-TCTTATTAAAAACAGAAGGAATTAATTTGGTTACGGCCGTGCTCACTAACCCAGTTACTG[CACAGATGCA>C]AATCAAAGAAGATAGGTTCTGGACATGTGCCTATCGTTTGTATTATGCTCTAAAAGAGGA-3'

ClinVar aggregate classification (germline): Pathogenic/Likely pathogenic. Review status: criteria provided, multiple submitters, no conflicts (2 of 4 stars). 11 submissions from 11 submitters: Pathogenic (4); Likely pathogenic (6). 1 of the submissions does not count toward it. Last evaluated 2026-06-10.

Conditions:
BBS12-related disorder. Also called: BBS12-related condition.
Retinitis pigmentosa (RP). Identifiers: Orphanet 791, MedGen C0035334, MeSH D012174, MONDO:0019200, OMIM 268000. Inheritance: Autosomal dominant, autosomal recessive and X linked inheritance.
Bardet-Biedl syndrome (BBS). Identifiers: Orphanet 110, MedGen C0752166, MONDO:0015229.
Bardet-Biedl syndrome 12 (BBS12). Identifiers: Orphanet 110, MedGen C1859570, MONDO:0014440, OMIM 615989.

Submissions (11):

PreventionGenetics, part of Exact Sciences
Classification: Likely pathogenic for BBS12-related condition. Last evaluated: 2026-06-10. Review status: criteria provided, single submitter. Criteria: ACMG Guidelines, 2015. Collection method: clinical testing. Allele origin: germline.
Comment: The BBS12 c.1531_1539del9 variant is predicted to result in an in-frame deletion (p.Gln511_Gln513del). This variant has been reported along with a second pathogenic BBS12 variant in individuals with Bardet-Biedl syndrome (Stoetzel et al. 2007. PubMed ID: 17160889, described as 1529delACAGATGCA; Hjortshøj et al. 2010. PubMed ID: 20120035), in the heterozygous state in an individual with retinitis pigmentosa (Table S4, Jespersgaard et al. 2019. PubMed ID: 30718709) and in the homozygous state in an individual with kidney disease (Supplementary Materials, Doreille et al. 2022. PubMed ID: 36938085) or Bardet-Biedl syndrome (Manara et al. 2019. PubMed ID: 31196119). Functional studies using zebrafish suggest that this variant is deleterious (Supp. Table 4, Zaghloul et al. 2010. PubMed ID: 20498079). This variant is reported in 0.0085% of alleles in individuals of European (Non-Finnish) descent in gnomAD. This variant is interpreted as likely pathogenic.

Labcorp Genetics (formerly Invitae), Labcorp
Classification: Pathogenic for Bardet-Biedl syndrome. Last evaluated: 2026-01-19. Review status: criteria provided, single submitter. Criteria: Invitae Variant Classification Sherloc (09022015). Collection method: clinical testing. Allele origin: germline.
Comment: This variant, c.1531_1539del, results in the deletion of 3 amino acid(s) of the BBS12 protein (p.Gln511_Gln513del), but otherwise preserves the integrity of the reading frame. This variant is present in population databases (rs752762669, gnomAD 0.007%). This variant has been observed in individual(s) with Bardet-Biedl syndrome (PMID: 17160889, 20120035; internal data). In at least one individual the data is consistent with being in trans (on the opposite chromosome) from a pathogenic variant. ClinVar contains an entry for this variant (Variation ID: 434492). Algorithms developed to predict the effect of variants on gene product structure and function are not available or were not evaluated for this variant. Experimental studies have shown that this variant affects BBS12 function (PMID: 20498079). For these reasons, this variant has been classified as Pathogenic.

Natera, Inc.
Classification: Likely pathogenic for Bardet-Biedl syndrome type 12. Last evaluated: 2025-06-30. Review status: criteria provided, single submitter. Criteria: Natera Variant Classification Schema (03/2026). Collection method: clinical testing. Allele origin: germline.
Comment: The c.1531_1539delCAGATGCAA variant in BBS12 is an in-frame deletion. This variant is rare in the general population with a frequency below the threshold expected for the associated phenotype(s). This variant has been observed in one or more individuals affected with the associated recessive disease, as either homozygous or compound heterozygous with a second variant (PMID: 31196119, 17160889, 20120035, 38972501). This variant results in a change to the protein length while preserving reading frame, which may disrupt normal protein structure or function. Given the available evidence, this variant is classified as Likely Pathogenic.

Fulgent Genetics
Classification: Pathogenic for Bardet-Biedl syndrome 12. Last evaluated: 2024-05-14. Review status: criteria provided, single submitter. Criteria: ACMG Guidelines, 2015. Collection method: clinical testing. Allele origin: germline.

GeneDx
Classification: Likely pathogenic. Last evaluated: 2023-12-19. Review status: criteria provided, single submitter. Criteria: GeneDx Variant Classification Process June 2021. Collection method: clinical testing. Allele origin: germline. Affected: yes.
Comment: In-frame deletion of 3 amino acids in a non-repeat region; Published functional studies in zebrafish suggest a damaging effect (PMID: 20498079); In silico analysis supports a deleterious effect on protein structure/function; This variant is associated with the following publications: (PMID: 31589614, 30718709, 20120035, 17160889, 31196119, 20498079, 36938085, 31964843)

Women's Health and Genetics/Laboratory Corporation of America, LabCorp
Classification: Likely pathogenic for Bardet-Biedl syndrome. Last evaluated: 2023-12-15. Review status: criteria provided, single submitter. Criteria: LabCorp Variant Classification Summary - May 2015. Collection method: clinical testing. Allele origin: germline.
Comment: Variant summary: BBS12 c.1531_1539delCAGATGCAA (p.Gln511_Gln513del) results in an in-frame deletion that is predicted to remove three amino acids from the encoded protein. The variant allele was found at a frequency of 4e-05 in 251428 control chromosomes. This frequency is not significantly higher than estimated for a pathogenic variant in BBS12 causing Bardet-Biedl Syndrome (4e-05 vs 0.00076), allowing no conclusion about variant significance. c.1531_1539delCAGATGCAA has been reported in the literature in individuals affected with Bardet-Biedl Syndrome (Stoetzel_2006, Hjortshj_2010, Manara_2019). These data indicate that the variant is likely to be associated with disease. At least one publication reports experimental evidence evaluating an impact on protein function and this variant affects protein function (Zaghloul_2010). The following publications have been ascertained in the context of this evaluation (PMID: 21463199, 31964843, 20120035, 30718709, 31196119, 20648243, 17160889, 20498079). Seven submitters have cited clinical-significance assessments for this variant to ClinVar after 2014 and classified the variant as pathogenic (n=2) and likely pathogenic (n=5). Based on the evidence outlined above, the variant was classified as likely pathogenic.

Blueprint Genetics
Classification: Pathogenic for BBS12-related disorders. Last evaluated: 2022-10-10. Review status: criteria provided, single submitter. Criteria: ACMG Guidelines, 2015. Collection method: clinical testing. Allele origin: germline. Affected: yes. Observed: 5 variant alleles.

Revvity Omics, Revvity
Classification: Likely pathogenic for Bardet-Biedl syndrome 12. Last evaluated: 2022-01-01. Review status: criteria provided, single submitter. Criteria: ACMG Guidelines, 2015. Collection method: clinical testing. Allele origin: germline.

Institute of Human Genetics Munich, TUM University Hospital
Classification: Pathogenic for Bardet-Biedl syndrome 12. Last evaluated: 2017-09-08. Review status: criteria provided, single submitter. Criteria: Classification criteria August 2017. Collection method: clinical testing. Allele origin: paternal. Inheritance: Autosomal recessive inheritance. Affected: yes. Observed: 1 compound heterozygote.

Genetic Services Laboratory, University of Chicago
Classification: Likely pathogenic for Bardet-Biedl syndrome 12. Last evaluated: 2016-03-23. Review status: criteria provided, single submitter. Criteria: ACMG Guidelines, 2015. Collection method: clinical testing. Allele origin: germline. Affected: yes.

Department of Clinical Genetics, Copenhagen University Hospital, Rigshospitalet
Classification: Likely pathogenic for Retinitis pigmentosa. Last evaluated: 2018-04-01. Review status: no assertion criteria provided. Collection method: research. Allele origin: unknown. Affected: yes. Study: VeluxRD. Not counted in ClinVar's aggregate classification.

Literature cited by the submitters: PubMed 17160889 (cited by 3 submitters); PubMed 20120035 (cited by 3 submitters); PubMed 20498079 (cited by Labcorp Genetics (formerly Invitae), Labcorp and Women's Health and Genetics/Laboratory Corporation of America, LabCorp); PubMed 31196119 (cited by Natera, Inc. and Women's Health and Genetics/Laboratory Corporation of America, LabCorp); PubMed 38972501 (cited by Natera, Inc.); PubMed 21463199 (cited by Women's Health and Genetics/Laboratory Corporation of America, LabCorp); PubMed 30718709 (cited by Women's Health and Genetics/Laboratory Corporation of America, LabCorp and Department of Clinical Genetics, Copenhagen University Hospital, Rigshospitalet); PubMed 31964843 (cited by Women's Health and Genetics/Laboratory Corporation of America, LabCorp); PubMed 20648243 (cited by Women's Health and Genetics/Laboratory Corporation of America, LabCorp).